The following is an entry in ClinVar:

ClinVar aggregate classification (germline): Likely pathogenic. Review status: criteria provided, multiple submitters, no conflicts (2 of 4 stars). 4 submissions from 4 submitters: Likely pathogenic (2). 2 of the submissions do not count toward it. Last evaluated 2024-12-13.

Conditions:
Schimke immuno-osseous dysplasia (SIOD). Also called: Schimke Immunoosseous Dysplasia. Identifiers: Orphanet 1830, MedGen C0877024, MONDO:0009458, OMIM 242900.

Submissions (4):

Institute of Medical Genetics and Genomics, Sir Ganga Ram Hospital
Classification: Likely pathogenic for Schimke immuno-osseous dysplasia. Last evaluated: 2024-12-13. Review status: criteria provided, single submitter. Criteria: ACMG Guidelines, 2015. Collection method: clinical testing. Allele origin: germline. Inheritance: Autosomal recessive inheritance. Affected: yes. Observed: 1 homozygote.
Comment: The identified homozygous splice site variant in SMARCAL1 gene is predicted to be splice altering strong by SpliceAI with a score of 1. it is impacting the donor splice site in intron 15 and altered region is predicted to be critical for protein function. The identified variant is completely absent from normal population database. This variant is submitted in clinvar as pathogenoc/Likely pathogenic by 3 submitters with variation ID : Variation ID: 599161. Based on these evidence it is predicted to be likely pathogenic

Labcorp Genetics (formerly Invitae), Labcorp
Classification: Likely pathogenic for Schimke immuno-osseous dysplasia. Last evaluated: 2019-03-30. Review status: criteria provided, single submitter. Criteria: Invitae Variant Classification Sherloc (09022015). Collection method: clinical testing. Allele origin: germline.
Comment: This sequence change affects a donor splice site in intron 15 of the SMARCAL1 gene. It is expected to disrupt RNA splicing and likely results in an absent or disrupted protein product. This variant is not present in population databases (ExAC no frequency). This variant has not been reported in the literature in individuals with SMARCAL1-related conditions. ClinVar contains an entry for this variant (Variation ID: 599161). Algorithms developed to predict the effect of sequence changes on RNA splicing suggest that this variant may disrupt the consensus splice site, but this prediction has not been confirmed by published transcriptional studies. Donor and acceptor splice site variants typically lead to a loss of protein function (PMID: 16199547), and loss-of-function variants in SMARCAL1 are known to be pathogenic (PMID: 11799392, 20301550). In summary, the currently available evidence indicates that the variant is pathogenic, but additional data are needed to prove that conclusively. Therefore, this variant has been classified as Likely Pathogenic.

Natera, Inc.
Classification: Likely pathogenic for Schimke immuno-osseous dysplasia. Last evaluated: 2020-07-21. Review status: no assertion criteria provided. Collection method: clinical testing. Allele origin: germline. Not counted in ClinVar's aggregate classification.

Bioscientia Institut fuer Medizinische Diagnostik GmbH, Sonic Healthcare
Classification: Pathogenic for Schimke immuno-osseous dysplasia. Last evaluated: 2018-08-21. Review status: no assertion criteria provided. Collection method: clinical testing. Allele origin: germline. Affected: yes. Not counted in ClinVar's aggregate classification.

Literature cited by the submitters: PubMed 16199547 (cited by Labcorp Genetics (formerly Invitae), Labcorp); PubMed 11799392 (cited by Labcorp Genetics (formerly Invitae), Labcorp); PubMed 20301550 (cited by Labcorp Genetics (formerly Invitae), Labcorp).

NM_014140.4(SMARCAL1):c.2427+1G>A

Gene: SMARCAL1 (SNF2 related chromatin remodeling annealing helicase 1; plus strand). Cytogenetic location: 2q35.
Variant type: single nucleotide variant.
Coding change: c.2427+1G>A on transcript NM_014140.4 (MANE Select); the canonical splice donor site of the intron after coding-DNA position 2427, G replaced by A.
Molecular consequence: splice donor variant.
Genome position (GRCh38, 1-based): chr2:216,475,452, G>A. VCF-style: chr2-216475452-G-A. GRCh37 (hg19) VCF-style: chr2-217340175-G-A.
Other names: c.2427+1G>A (NM_001127207.2).
Identifiers: ClinVar variation 599161 (VCV000599161.14), dbSNP rs1559138455, ClinGen allele CA350504554.